The following is an entry in ClinVar:

NM_015559.3(SETBP1):c.3514G>C (p.Gly1172Arg)

Gene: SETBP1 (SET binding protein 1; plus strand). Cytogenetic location: 18q12.3.
Variant type: single nucleotide variant.
Coding change: c.3514G>C on transcript NM_015559.3 (MANE Select); coding-DNA position 3514, G replaced by C.
Protein change: p.Gly1172Arg; replaces glycine 1172 with arginine.
Molecular consequence: missense variant.
Genome position (GRCh38, 1-based): chr18:44,952,854, G>C. VCF-style: chr18-44952854-G-C. GRCh37 (hg19) VCF-style: chr18-42532819-G-C.
Other names: c.3514G>C, p.Gly1172Arg (NM_001379141.1, NM_001379142.1, NM_001410862.1); short protein forms G1172R.
Identifiers: ClinVar variation 2959181 (VCV002959181.3), dbSNP rs987681829, ClinGen allele CA402324593.
Genomic context (GRCh38, chr18:44,952,854, plus strand): 5'-CACAAACACAAGCATAAGCACAAGGAAGACCGGATCCTAGGGACCCATGACAACCTGAGT[G>C]GTCTTTTTGCAGGCAAAGCCACAGGCTTCTCCAGCCACATCCTGAGCGAGCGGCTGAGTA-3'
Protein context (NP_056374.2, residues 1162-1182): RILGTHDNLS[Gly1172Arg]LFAGKATGFS

ClinVar aggregate classification (germline): Uncertain significance (1 of 4 stars; one submission).

Allele frequency attached by ClinVar (database versions not stated): TOPMed below 0.00001; gnomAD 0.00001.
gnomAD v4.1: 16 of 1,614,024 alleles (0.00099%); highest among the groups gnomAD compares: Non-Finnish European, 0.0013%; no homozygotes.

Submission:

Labcorp Genetics (formerly Invitae), Labcorp
Classification: Uncertain significance. Last evaluated: 2025-10-16. Review status: criteria provided, single submitter. Criteria: Invitae Variant Classification Sherloc (09022015). Collection method: clinical testing. Allele origin: germline.
Comment: This sequence change replaces glycine, which is neutral and non-polar, with arginine, which is basic and polar, at codon 1172 of the SETBP1 protein (p.Gly1172Arg). This variant is not present in population databases (gnomAD no frequency). This variant has not been reported in the literature in individuals affected with SETBP1-related conditions. ClinVar contains an entry for this variant (Variation ID: 2959181). Invitae Evidence Modeling of protein sequence and biophysical properties (such as structural, functional, and spatial information, amino acid conservation, physicochemical variation, residue mobility, and thermodynamic stability) indicates that this missense variant is not expected to disrupt SETBP1 protein function with a negative predictive value of 80%. In summary, the available evidence is currently insufficient to determine the role of this variant in disease. Therefore, it has been classified as a Variant of Uncertain Significance.